The following is an entry in ClinVar:

ClinVar aggregate classification (germline): Uncertain significance (1 of 4 stars; one submission).

gnomAD v4.1: 3 of 1,613,976 alleles (0.00019%); highest among the groups gnomAD compares: Non-Finnish European, 0.00025%; no homozygotes.

Submission:

CeGaT Center for Human Genetics Tuebingen
Classification: Uncertain significance. Last evaluated: 2025-02-01. Review status: criteria provided, single submitter. Criteria: CeGaT Center For Human Genetics Tuebingen Variant Classification Criteria Version 2. Collection method: clinical testing. Allele origin: germline. Affected: yes. Observed: 1 variant allele.
Comment: FGD4: PM2

NM_001370298.3(FGD4):c.1134C>G (p.Asn378Lys)

Gene: FGD4 (FYVE, RhoGEF and PH domain containing 4; plus strand). Cytogenetic location: 12p11.21.
Variant type: single nucleotide variant.
Coding change: c.1134C>G on transcript NM_001370298.3 (MANE Select); coding-DNA position 1134, C replaced by G.
Protein change: p.Asn378Lys; replaces asparagine 378 with lysine.
Molecular consequence: missense variant. On other transcripts: 5 prime UTR variant (2).
Genome position (GRCh38, 1-based): chr12:32,601,310, C>G. VCF-style: chr12-32601310-C-G. GRCh37 (hg19) VCF-style: chr12-32754244-C-G.
Other names: c.978C>G, p.Asn326Lys (NM_001304481.2); c.-22C>G (NM_001304483.2); c.-329C>G (NM_001304484.2); c.444C>G, p.Asn148Lys (NM_001330373.2, NM_001330374.2, NM_001384130.1); c.171C>G, p.Asn57Lys (NM_001370297.1); c.1134C>G, p.Asn378Lys (NM_001384126.1); c.723C>G, p.Asn241Lys (NM_001384127.1, NM_001384128.1, NM_001385118.1 and 1 more transcripts); short protein forms N148K, N241K, N326K, N378K, N57K.
Identifiers: ClinVar variation 3778391 (VCV003778391.7).